The following is an entry in ClinVar:

NM_004562.3(PRKN):c.783A>G (p.Leu261=)

Gene: PRKN (parkin RBR E3 ubiquitin protein ligase; minus strand). Cytogenetic location: 6q26.
Variant type: single nucleotide variant.
Coding change: c.783A>G on transcript NM_004562.3 (MANE Select); coding-DNA position 783, A replaced by G.
Protein change: p.Leu261=; no amino-acid change (leucine 261 retained).
Molecular consequence: synonymous variant.
Genome position (GRCh38, 1-based): chr6:161,785,860, T>C on the plus strand (A>G on the coding strand, the complement: PRKN is on the minus strand). VCF-style: chr6-161785860-T-C. GRCh37 (hg19) VCF-style: chr6-162206892-T-C.
Other names: p.Leu261=; c.699A>G, p.Leu233= (NM_013987.3); c.336A>G, p.Leu112= (NM_013988.3).
Identifiers: ClinVar variation 356017 (VCV000356017.17), dbSNP rs9456711, ClinGen allele CA4090227.
Genomic context (GRCh38, chr6:161,785,860, plus strand): 5'-AGGGTCGTGAACAAACTGCCGATCATTGAGTCTTGTCACACAGTATAAGTGGAAACAGTC[T>C]AAGCAAATCACGTGGCGGGAGTTGCACTGGAAAACCAGGACGGGGCTCCTGCAGAGAGAA-3'
Protein context (NP_004553.2, residues 251-271): FQCNSRHVIC[Leu261=]DCFHLYCVTR

ClinVar aggregate classification (germline): Benign/Likely benign. Review status: criteria provided, multiple submitters, no conflicts (2 of 4 stars). 6 submissions from 6 submitters: Benign (4); Likely benign (2). Last evaluated 2026-02-02.

Conditions:
Autosomal recessive juvenile Parkinson disease 2. Also called: PARKINSON DISEASE, JUVENILE, AUTOSOMAL RECESSIVE; Parkinson disease autosomal recessive, early onset; Juvenile parkinsonism; Parkinsonism, early onset, with diurnal fluctuation; PRKN-Related Early-Onset Parkinson Disease; Parkinson disease, juvenile, type 2. Identifiers: Orphanet 2828, MedGen C1868675, MONDO:0010820, OMIM 600116.

Allele frequency attached by ClinVar (database versions not stated): gnomAD exomes 0.00493 and 0.01329; ExAC 0.01640; 1000 Genomes Project 0.05491; 1000 Genomes Project 30x 0.05637; TOPMed 0.05676; ESP Exome Variant Server 0.05990.
gnomAD v4.1: 15,343 of 1,614,066 alleles (0.95%); highest among the groups gnomAD compares: African/African-American, 18%; 1,286 homozygotes.

Submissions (6):

Labcorp Genetics (formerly Invitae), Labcorp
Classification: Benign. Last evaluated: 2026-02-02. Review status: criteria provided, single submitter. Criteria: Invitae Variant Classification Sherloc (09022015). Collection method: clinical testing. Allele origin: germline.

Mayo Clinic Laboratories, Mayo Clinic
Classification: Benign. Last evaluated: 2024-10-18. Review status: criteria provided, single submitter. Criteria: ACMG Guidelines, 2015. Collection method: clinical testing. Allele origin: germline. Observed: 4 variant alleles.
Comment: BS1, BS2, BP4, BP7

Athena Diagnostics
Classification: Benign. Last evaluated: 2017-12-07. Review status: criteria provided, single submitter. Criteria: Athena Diagnostics Criteria. Collection method: clinical testing. Allele origin: germline.

Illumina Laboratory Services, Illumina
Classification: Likely benign for Autosomal recessive juvenile Parkinson disease 2. Last evaluated: 2017-04-27. Review status: criteria provided, single submitter. Criteria: ICSL Variant Classification Criteria 13 December 2019. Collection method: clinical testing. Allele origin: germline.
Comment: This variant was observed as part of a predisposition screen in an ostensibly healthy population. A literature search was performed for the gene, cDNA change, and amino acid change (where applicable). Publications were found based on this search. The evidence from the literature, in combination with allele frequency data from public databases where available, was sufficient to determine this variant is unlikely to cause disease. Therefore, this variant is classified as likely benign.

Center for Pediatric Genomic Medicine, Children's Mercy Hospital and Clinics
Classification: Benign. Last evaluated: 2016-12-30. Review status: criteria provided, single submitter. Criteria: ACMG Guidelines, 2015. Collection method: clinical testing. Allele origin: germline.

Breakthrough Genomics
Classification: Likely benign. Review status: criteria provided, single submitter. Criteria: ACMG Guidelines, 2015. Collection method: not provided. Allele origin: germline. Inheritance: Autosomal recessive inheritance. Affected: yes.

Literature cited by the submitters: PubMed 11971093 (cited by Athena Diagnostics); PubMed 16606767 (cited by Athena Diagnostics); PubMed 16769863 (cited by Athena Diagnostics); PubMed 18927607 (cited by Athena Diagnostics); PubMed 19162522 (cited by Athena Diagnostics); PubMed 17766365 (cited by Illumina Laboratory Services, Illumina).